The following is an entry in ClinVar:

NM_138413.4(HOGA1):c.595G>A (p.Gly199Ser)

Gene: HOGA1 (4-hydroxy-2-oxoglutarate aldolase 1; plus strand). Cytogenetic location: 10q24.2.
Variant type: single nucleotide variant.
Coding change: c.595G>A on transcript NM_138413.4 (MANE Select); coding-DNA position 595, G replaced by A.
Protein change: p.Gly199Ser; replaces glycine 199 with serine.
Molecular consequence: missense variant. On other transcripts: intron variant (1).
Genome position (GRCh38, 1-based): chr10:97,599,806, G>A. VCF-style: chr10-97599806-G-A. GRCh37 (hg19) VCF-style: chr10-99359563-G-A.
Other names: c.595G>A (NM_138413.3); c.212-2051G>A (NM_001134670.2); short protein forms G199S.
Identifiers: ClinVar variation 2201105 (VCV002201105.4), dbSNP rs375436098, ClinGen allele CA5634162.

ClinVar aggregate classification (germline): Uncertain significance. Review status: criteria provided, multiple submitters, no conflicts (2 of 4 stars). 2 submissions from 2 submitters: Uncertain significance (2). Last evaluated 2025-10-28.

Conditions:
Inborn genetic diseases. Identifiers: MedGen C0950123, MeSH D030342.

Allele frequency attached by ClinVar (database versions not stated): ExAC 0.00004; gnomAD 0.00005; gnomAD exomes 0.00007; TOPMed 0.00005.
gnomAD v4.1: 114 of 1,614,082 alleles (0.0071%); highest among the groups gnomAD compares: Non-Finnish European, 0.0086%; no homozygotes.

Submissions (2):

Ambry Genetics
Classification: Uncertain significance for Inborn genetic diseases. Last evaluated: 2025-10-28. Review status: criteria provided, single submitter. Criteria: Ambry Variant Classification Scheme 2023. Collection method: clinical testing. Allele origin: germline.

Labcorp Genetics (formerly Invitae), Labcorp
Classification: Uncertain significance. Last evaluated: 2022-08-21. Review status: criteria provided, single submitter. Criteria: Invitae Variant Classification Sherloc (09022015). Collection method: clinical testing. Allele origin: germline.
Comment: This sequence change replaces glycine, which is neutral and non-polar, with serine, which is neutral and polar, at codon 199 of the HOGA1 protein (p.Gly199Ser). This variant is present in population databases (rs375436098, gnomAD 0.008%). This variant has not been reported in the literature in individuals affected with HOGA1-related conditions. Advanced modeling of protein sequence and biophysical properties (such as structural, functional, and spatial information, amino acid conservation, physicochemical variation, residue mobility, and thermodynamic stability) performed at Invitae indicates that this missense variant is expected to disrupt HOGA1 protein function. In summary, the available evidence is currently insufficient to determine the role of this variant in disease. Therefore, it has been classified as a Variant of Uncertain Significance.